The following is an entry in ClinVar:

ClinVar aggregate classification (germline): Uncertain significance (1 of 4 stars; one submission).

Conditions:
Symmetrical dyschromatosis of extremities (DSH). Also called: RETICULATE ACROPIGMENTATION OF DOHI; SYMMETRIC DYSCHROMATOSIS OF THE EXTREMITIES; Dyschromatosis symmetrica hereditaria; DYSCHROMATOSIS SYMMETRICA HEREDITARIA 1. Identifiers: Orphanet 41, MedGen C0406775, MONDO:0007483, OMIM 127400.
Aicardi-Goutieres syndrome 6 (AGS6). Identifiers: Orphanet 51, MedGen C3539013, MONDO:0014007, OMIM 615010.

Submission:

Labcorp Genetics (formerly Invitae), Labcorp
Classification: Uncertain significance for Aicardi-Goutieres syndrome 6; Symmetrical dyschromatosis of extremities. Last evaluated: 2023-02-16. Review status: criteria provided, single submitter. Criteria: Invitae Variant Classification Sherloc (09022015). Collection method: clinical testing. Allele origin: germline.
Comment: This sequence change replaces tyrosine, which is neutral and polar, with phenylalanine, which is neutral and non-polar, at codon 13 of the ADAR protein (p.Tyr13Phe). This variant is not present in population databases (gnomAD no frequency). This variant has not been reported in the literature in individuals affected with ADAR-related conditions. An algorithm developed to predict the effect of missense changes on protein structure and function (PolyPhen-2) suggests that this variant is likely to be tolerated. In summary, the available evidence is currently insufficient to determine the role of this variant in disease. Therefore, it has been classified as a Variant of Uncertain Significance.

NM_001111.5(ADAR):c.38A>T (p.Tyr13Phe)

Gene: ADAR (adenosine deaminase RNA specific; minus strand). Cytogenetic location: 1q21.3.
Variant type: single nucleotide variant.
Coding change: c.38A>T on transcript NM_001111.5 (MANE Select); coding-DNA position 38, A replaced by T.
Protein change: p.Tyr13Phe; replaces tyrosine 13 with phenylalanine.
Molecular consequence: missense variant. On other transcripts: 5 prime UTR variant (6).
Genome position (GRCh38, 1-based): chr1:154,602,604, T>A on the plus strand (A>T on the coding strand, the complement: ADAR is on the minus strand). VCF-style: chr1-154602604-T-A. GRCh37 (hg19) VCF-style: chr1-154575080-T-A.
Other names: c.-848A>T (NM_001025107.3, NM_001193495.2, NM_001365048.1); c.65A>T, p.Tyr22Phe (NM_001365045.1); c.-712A>T (NM_001365046.1, NM_001365047.1, NM_001365049.1); c.38A>T, p.Tyr13Phe (NM_015840.4, NM_015841.4); short protein forms Y22F, Y13F.
Identifiers: ClinVar variation 2017302 (VCV002017302.4), dbSNP rs2526673045, ClinGen allele CA342607608.
Genomic context (GRCh38, chr1:154,602,604, plus strand): 5'-CCTGGCCCAGGCTGCTGGTACCTGAGCTGTCTGTGCTCATAGCCTTGAAATGGATGGGTG[T>A]AGTATCCGCTGAGGGAATACCCCTGCAGAATAAGACAGTGGAAAAAGAAAATGAATTAGG-3'
Protein context (NP_001102.3, residues 3-23): PRQGYSLSGY[Tyr13Phe]THPFQGYEHR